The following is an entry in ClinVar:

NM_000051.4(ATM):c.1511A>G (p.Asn504Ser)

Gene: ATM (ATM serine/threonine kinase; plus strand). Cytogenetic location: 11q22.3.
Variant type: single nucleotide variant.
Coding change: c.1511A>G on transcript NM_000051.4 (MANE Select); coding-DNA position 1511, A replaced by G.
Protein change: p.Asn504Ser; replaces asparagine 504 with serine.
Molecular consequence: missense variant.
Genome position (GRCh38, 1-based): chr11:108,250,976, A>G. VCF-style: chr11-108250976-A-G. GRCh37 (hg19) VCF-style: chr11-108121703-A-G.
Other names: c.1511A>G, p.Asn504Ser (NM_001351834.2); short protein forms N504S.
Identifiers: ClinVar variation 220272 (VCV000220272.30), dbSNP rs56365018, ClinGen allele CA349700.

ClinVar aggregate classification (germline): Conflicting classifications of pathogenicity. Review status: criteria provided, conflicting classifications (1 of 4 stars). 7 submissions from 7 submitters: Uncertain significance (4); Likely benign (3). Last evaluated 2026-02-02.

Conditions:
Hereditary cancer-predisposing syndrome. Also called: Neoplastic Syndromes, Hereditary; Hereditary Cancer Syndrome; Tumor predisposition; Hereditary neoplastic syndrome. Identifiers: Orphanet 140162, MedGen C0027672, MeSH D009386, MONDO:0015356.
Familial cancer of breast. Also called: Hereditary breast cancer; hereditary breast carcinoma; BREAST CANCER, FAMILIAL. Identifiers: Orphanet 227535, MedGen C0346153, MONDO:0016419, OMIM 114480. Disease mechanism: loss of function.
Ataxia-telangiectasia syndrome (AT). Also called: Cerebello-oculocutaneous telangiectasia; Immunodeficiency with ataxia telangiectasia; Ataxia-telangiectasia, complementation group D; AT, COMPLEMENTATION GROUP C; Ataxia-telangiectasia, complementation group E; Ataxia-telangiectasia. Identifiers: Orphanet 100, MedGen C0004135, MONDO:0008840, OMIM 208900.

Allele frequency attached by ClinVar (database versions not stated): gnomAD 0.00001; gnomAD exomes 0.00001 and 0.00007; TOPMed 0.00003; ExAC 0.00004; 1000 Genomes Project 0.00020; 1000 Genomes Project 30x 0.00031.
gnomAD v4.1: 19 of 1,614,120 alleles (0.0012%); highest among the groups gnomAD compares: East Asian, 0.04%; no homozygotes.

Submissions (7):

Labcorp Genetics (formerly Invitae), Labcorp
Classification: Likely benign for Ataxia-telangiectasia syndrome. Last evaluated: 2026-02-02. Review status: criteria provided, single submitter. Criteria: Invitae Variant Classification Sherloc (09022015). Collection method: clinical testing. Allele origin: germline.

CeGaT Center for Human Genetics Tuebingen
Classification: Uncertain significance. Last evaluated: 2025-11-01. Review status: criteria provided, single submitter. Criteria: CeGaT Center For Human Genetics Tuebingen Variant Classification Criteria Version 2. Collection method: clinical testing. Allele origin: germline. Affected: yes. Observed: 1 variant allele.
Comment: ATM: PM2, BP4

Quest Diagnostics Nichols Institute San Juan Capistrano
Classification: Uncertain significance. Last evaluated: 2025-08-29. Review status: criteria provided, single submitter. Criteria: Quest Diagnostics criteria. Collection method: clinical testing. Allele origin: unknown.

Color Diagnostics, LLC DBA Color Health
Classification: Likely benign for Hereditary cancer-predisposing syndrome. Last evaluated: 2024-09-19. Review status: criteria provided, single submitter. Criteria: ACMG Guidelines, 2015. Collection method: clinical testing. Allele origin: germline.

Department of Pathology and Laboratory Medicine, Sinai Health System
Classification: Uncertain significance for Familial cancer of breast. Last evaluated: 2024-09-03. Review status: criteria provided, single submitter. Criteria: ACMG Guidelines, 2015. Collection method: clinical testing. Allele origin: germline. Affected: yes.

GeneDx
Classification: Uncertain significance. Last evaluated: 2021-11-15. Review status: criteria provided, single submitter. Criteria: GeneDx Variant Classification Process June 2021. Collection method: clinical testing. Allele origin: germline. Affected: yes.
Comment: In silico analysis supports that this missense variant does not alter protein structure/function; Observed in individuals with a personal or family history including breast cancer (Chan 2018); This variant is associated with the following publications: (PMID: 30093976, 17344846)

Ambry Genetics
Classification: Likely benign for Hereditary cancer-predisposing syndrome. Last evaluated: 2017-05-15. Review status: criteria provided, single submitter. Criteria: Ambry Variant Classification Scheme 2023. Collection method: clinical testing. Allele origin: germline.

Literature cited by the submitters: PubMed 30093976 (cited by Department of Pathology and Laboratory Medicine, Sinai Health System); PubMed 33471991 (cited by Department of Pathology and Laboratory Medicine, Sinai Health System).